The following is an entry in ClinVar:

ClinVar aggregate classification (germline): Benign/Likely benign. Review status: criteria provided, multiple submitters, no conflicts (2 of 4 stars). 6 submissions from 5 submitters: Benign (1); Likely benign (5). Last evaluated 2025-12-30.

Conditions:
DYNC1H1-related disorder. Also called: DYNC1H1-related disorders; DYNC1H1-related condition. Identifiers: MedGen CN381529.
Autosomal dominant cerebellar ataxia. Also called: Spinocerebellar Ataxia, Dominant. Identifiers: Orphanet 99, MedGen C4087347, MONDO:0020380.
Charcot-Marie-Tooth disease axonal type 2O. Also called: CHARCOT-MARIE-TOOTH NEUROPATHY, AXONAL, TYPE 2O; CHARCOT-MARIE-TOOTH DISEASE, AXONAL, AUTOSOMAL DOMINANT, TYPE 2O; Charcot-Marie-Tooth disease, axonal, type 20; Charcot-Marie-Tooth Neuropathy Type 2O. Identifiers: Orphanet 284232, MedGen C3280220, MONDO:0013644, OMIM 614228.

Allele frequency attached by ClinVar (database versions not stated): gnomAD exomes 0.00001 and 0.00002; ExAC 0.00003; gnomAD 0.00007 and 0.00008; TOPMed 0.00009; ESP Exome Variant Server 0.00015.
gnomAD v4.1: 23 of 1,614,030 alleles (0.0014%); highest among the groups gnomAD compares: African/African-American, 0.017%; no homozygotes.

Submissions (6):

Women's Health and Genetics/Laboratory Corporation of America, LabCorp
Classification: Likely benign. Last evaluated: 2025-12-30. Review status: criteria provided, single submitter. Criteria: LabCorp Variant Classification Summary - May 2015. Collection method: clinical testing. Allele origin: germline.

PreventionGenetics, part of Exact Sciences
Classification: Likely benign for DYNC1H1-related condition. Last evaluated: 2025-11-07. Review status: criteria provided, single submitter. Criteria: ACMG Guidelines, 2015. Collection method: clinical testing. Allele origin: germline.
Comment: This variant is classified as likely benign based on ACMG/AMP sequence variant interpretation guidelines (Richards et al. 2015 PMID: 25741868, with internal and published modifications).

Labcorp Genetics (formerly Invitae), Labcorp
Classification: Likely benign for Charcot-Marie-Tooth disease axonal type 2O. Last evaluated: 2025-10-29. Review status: criteria provided, single submitter. Criteria: Invitae Variant Classification Sherloc (09022015). Collection method: clinical testing. Allele origin: germline.

Illumina Laboratory Services, Illumina
Classification: Likely benign for Spinocerebellar Ataxia, Dominant. Last evaluated: 2018-01-12. Review status: criteria provided, single submitter. Criteria: ICSL Variant Classification Criteria 13 December 2019. Collection method: clinical testing. Allele origin: germline.
Comment: This variant was observed in the ICSL laboratory as part of a predisposition screen in an ostensibly healthy population. It had not been previously curated by ICSL or reported in the Human Gene Mutation Database (HGMD: prior to June 1st, 2018), and was therefore a candidate for classification through an automated scoring system. Utilizing variant allele frequency, disease prevalence and penetrance estimates, and inheritance mode, an automated score was calculated to assess if this variant is too frequent to cause the disease. Based on the score and internal cut-off values, a variant classified as likely benign is not then subjected to further curation. The score for this variant resulted in a classification of likely benign for this disease.

Illumina Laboratory Services, Illumina
Classification: Likely benign for Charcot-Marie-Tooth disease axonal type 2O. Last evaluated: 2018-01-12. Review status: criteria provided, single submitter. Criteria: ICSL Variant Classification Criteria 13 December 2019. Collection method: clinical testing. Allele origin: germline.
Comment: the same text as in the submission from Illumina Laboratory Services, Illumina above.

Athena Diagnostics
Classification: Benign. Last evaluated: 2016-10-20. Review status: criteria provided, single submitter. Criteria: Athena Diagnostics Criteria. Collection method: clinical testing. Allele origin: germline.

NM_001376.5(DYNC1H1):c.10992C>T (p.Leu3664=)

Gene: DYNC1H1 (dynein cytoplasmic 1 heavy chain 1; plus strand). Cytogenetic location: 14q32.31.
Variant type: single nucleotide variant.
Coding change: c.10992C>T on transcript NM_001376.5 (MANE Select); coding-DNA position 10992, C replaced by T.
Protein change: p.Leu3664=; no amino-acid change (leucine 3664 retained).
Molecular consequence: synonymous variant.
Genome position (GRCh38, 1-based): chr14:102,038,543, C>T. VCF-style: chr14-102038543-C-T. GRCh37 (hg19) VCF-style: chr14-102504880-C-T.
Identifiers: ClinVar variation 447280 (VCV000447280.16), dbSNP rs368621706, ClinGen allele CA7353519.